The following is an entry in ClinVar:

ClinVar aggregate classification (germline): Uncertain significance (1 of 4 stars; one submission).

Conditions:
Inborn genetic diseases. Identifiers: MedGen C0950123, MeSH D030342.

gnomAD v4.1: 6 of 1,613,410 alleles (0.00037%); highest among the groups gnomAD compares: Non-Finnish European, 0.00051%; no homozygotes.

Submission:

Ambry Genetics
Classification: Uncertain significance for Inborn genetic diseases. Last evaluated: 2025-11-08. Review status: criteria provided, single submitter. Criteria: Ambry Variant Classification Scheme 2023. Collection method: clinical testing. Allele origin: germline.
Comment: The c.2846T>A (p.V949E) alteration is located in exon 18 (coding exon 16) of the DHX30 gene. This alteration results from a T to A substitution at nucleotide position 2846, causing the valine (V) at amino acid position 949 to be replaced by a glutamic acid (E). Based on data from gnomAD, the A allele has an overall frequency of <0.001% (1/250654) total alleles studied. The highest observed frequency was 0.001% (1/113300) of European (non-Finnish) alleles. Based on insufficient or conflicting evidence, the clinical significance of this alteration remains unclear.

NM_138615.3(DHX30):c.2846T>A (p.Val949Glu)

Gene: DHX30 (DExH-box helicase 30; plus strand). Cytogenetic location: 3p21.31.
Variant type: single nucleotide variant.
Coding change: c.2846T>A on transcript NM_138615.3 (MANE Select); coding-DNA position 2846, T replaced by A.
Protein change: p.Val949Glu; replaces valine 949 with glutamic acid.
Molecular consequence: missense variant.
Genome position (GRCh38, 1-based): chr3:47,848,996, T>A. VCF-style: chr3-47848996-T-A. GRCh37 (hg19) VCF-style: chr3-47890486-T-A.
Other names: c.2762T>A, p.Val921Glu (NM_001330990.2); c.2729T>A, p.Val910Glu (NM_014966.4); short protein forms V910E, V921E, V949E.
Identifiers: ClinVar variation 4617327 (VCV004617327.1).